The following is an entry in ClinVar:

NM_001458.5(FLNC):c.7198C>G (p.Pro2400Ala)

Genes: FLNC-AS1 (FLNC antisense RNA 1; minus strand), FLNC (filamin C; plus strand). Cytogenetic location: 7q32.1.
Variant type: single nucleotide variant.
Coding change: c.7198C>G on transcript NM_001458.5 (MANE Select); coding-DNA position 7198, C replaced by G.
Protein change: p.Pro2400Ala; replaces proline 2400 with alanine.
Molecular consequence: missense variant.
Genome position (GRCh38, 1-based): chr7:128,855,261, C>G. VCF-style: chr7-128855261-C-G. GRCh37 (hg19) VCF-style: chr7-128495315-C-G.
Other names: c.7099C>G, p.Pro2367Ala (NM_001127487.2); short protein forms P2367A, P2400A.
Identifiers: ClinVar variation 639554 (VCV000639554.12), dbSNP rs1390223951, ClinGen allele CA369215813.

ClinVar aggregate classification (germline): Conflicting classifications of pathogenicity. Review status: criteria provided, conflicting classifications (1 of 4 stars). 3 submissions from 3 submitters: Uncertain significance (2); Likely benign (1). Last evaluated 2025-11-26.

Conditions:
Cardiovascular phenotype. Identifiers: MedGen CN230736.
Hypertrophic cardiomyopathy 26. Also called: Cardiomyopathy, familial hypertrophic, 26. Identifiers: Orphanet 75249, MedGen C4310749, MONDO:0014883, OMIM 617047.
Myofibrillar myopathy 5. Also called: FILAMINOPATHY, AUTOSOMAL DOMINANT; Filaminopathy (type). Identifiers: Orphanet 171445, MedGen C1836050, MONDO:0012289, OMIM 609524.
Distal myopathy with posterior leg and anterior hand involvement. Also called: WILLIAMS DISTAL MYOPATHY. Identifiers: Orphanet 63273, MedGen C3279722, MONDO:0013550, OMIM 614065.

Allele frequency attached by ClinVar (database versions not stated): gnomAD 0.00001; gnomAD exomes 0.00001; TOPMed 0.00001.
gnomAD v4.1: 19 of 1,613,778 alleles (0.0012%); highest among the groups gnomAD compares: Non-Finnish European, 0.0016%; no homozygotes.

Submissions (3):

Ambry Genetics
Classification: Uncertain significance for Cardiovascular phenotype. Last evaluated: 2025-11-26. Review status: criteria provided, single submitter. Criteria: Ambry Variant Classification Scheme 2023. Collection method: clinical testing. Allele origin: germline.
Comment: The p.P2400A variant (also known as c.7198C>G), located in coding exon 43 of the FLNC gene, results from a C to G substitution at nucleotide position 7198. The proline at codon 2400 is replaced by alanine, an amino acid with highly similar properties. This amino acid position is conserved. In addition, this alteration is predicted to be deleterious by in silico analysis. Since supporting evidence is limited at this time, the clinical significance of this alteration remains unclear.

Labcorp Genetics (formerly Invitae), Labcorp
Classification: Likely benign for Distal myopathy with posterior leg and anterior hand involvement; Myofibrillar myopathy 5; Hypertrophic cardiomyopathy 26. Last evaluated: 2025-09-08. Review status: criteria provided, single submitter. Criteria: Invitae Variant Classification Sherloc (09022015). Collection method: clinical testing. Allele origin: germline.

Victorian Clinical Genetics Services, Murdoch Childrens Research Institute
Classification: Uncertain significance for Hypertrophic cardiomyopathy 26. Last evaluated: 2023-07-16. Review status: criteria provided, single submitter. Criteria: ACMG Guidelines, 2015. Collection method: clinical testing. Allele origin: germline. Inheritance: Autosomal dominant inheritance. Affected: yes.
Comment: Based on the classification scheme VCGS_Germline_v1.3.4, this variant is classified as VUS-3B. Following criteria are met: 0103 - Loss of function and gain of function are known mechanisms of disease in this gene. Loss of function is the established mechanism of disease for variants in dilated cardiomyopathy, hypertrophic cardiomyopathy, restrictive cardiomyopathy (MIM#617047) and myofibrillar myopathy (MIM#609524), and recently has been associated with arrhythmogenic right ventricular cardiomyopathy (ARVC; PMID: 31627847). In distal myopathy (MIM#614065), NMD-predicted variants cause a loss of function, however missense variants have been shown to result in a toxic gain of function (PMID: 32112656). (I) 0107 - This gene is associated with autosomal dominant disease. Variants located throughout the gene that are predicted to result in nonsense-mediated decay (NMD) are enriched in dilated cardiomyopathy, whereas missense variants in the ROD2 domain are enriched in hypertrophic cardiomyopathy and restrictive cardiomyopathy (MIM#617047). Additionally, myofibrillar myopathy (MIM#609524) is known to result from either missense variants in the ROD2 domain or truncating variants in the Ig-like domain 24, while missense variants in the actin-binding domain and NMD-predicted variants located in the Ig-like domain 15 and have been reported for distal myopathy (MIM#614065) (PMID: 32112656). 0200 - Variant is predicted to result in a missense amino acid change from proline to alanine. (I) 0251 - This variant is heterozygous. (I) 0302 - Variant is present in gnomAD (v3) <0.001 for a dominant condition (2 heterozygotes, 0 homozygotes). (SP) 0502 - Missense variant with conflicting in silico predictions and high conservation. (I) 0604 - Variant is not located in an established domain, motif, hotspot or informative constraint region. (I) 0710 - Another missense variant comparable to the one identified in this case has inconclusive previous evidence for pathogenicity. p.(Pro2400Ser) was identified by another laboratory and classified as a VUS (ClinVar). (I) 0809 - Previous evidence of pathogenicity for this variant is inconclusive. This variant was identified in another laboratory and classified as a VUS with no further information (ClinVar). (I) 0905 - No published segregation evidence has been identified for this variant. (I) 1007 - No published functional evidence has been identified for this variant. (I) 1208 - Inheritance information for this variant is not currently available in this individual. (I) Legend: (SP) - Supporting pathogenic, (I) - Information, (SB) - Supporting benign

Literature cited by the submitters: PubMed 31627847 (cited by Victorian Clinical Genetics Services, Murdoch Childrens Research Institute); PubMed 32112656 (cited by Victorian Clinical Genetics Services, Murdoch Childrens Research Institute).